The following is an entry in ClinVar:

NM_003200.5(TCF3):c.1950C>T (p.Pro650=)

Gene: TCF3 (transcription factor 3; minus strand). Cytogenetic location: 19p13.3.
Variant type: single nucleotide variant.
Coding change: c.1950C>T on transcript NM_003200.5 (MANE Select); coding-DNA position 1950, C replaced by T.
Protein change: p.Pro650=; no amino-acid change (proline 650 retained).
Molecular consequence: synonymous variant.
Genome position (GRCh38, 1-based): chr19:1,611,722, G>A on the plus strand (C>T on the coding strand, the complement: TCF3 is on the minus strand). VCF-style: chr19-1611722-G-A. GRCh37 (hg19) VCF-style: chr19-1611721-G-A.
Other names: c.1941C>T, p.Pro647= (NM_001136139.4, NM_001351779.2); c.1947C>T, p.Pro649= (NM_001351778.2).
Identifiers: ClinVar variation 1595129 (VCV001595129.32), dbSNP rs147649663, ClinGen allele CA9049496.

ClinVar aggregate classification (germline): Likely benign. Review status: criteria provided, multiple submitters, no conflicts (2 of 4 stars). 2 submissions from 2 submitters: Likely benign (2). Last evaluated 2025-11-09.

Allele frequency attached by ClinVar (database versions not stated): gnomAD exomes 0.00003 and 0.00005; ExAC 0.00004; gnomAD 0.00005; TOPMed 0.00005; ESP Exome Variant Server 0.00015.

Submissions (2):

Labcorp Genetics (formerly Invitae), Labcorp
Classification: Likely benign. Last evaluated: 2025-11-09. Review status: criteria provided, single submitter. Criteria: Invitae Variant Classification Sherloc (09022015). Collection method: clinical testing. Allele origin: germline.

CeGaT Center for Human Genetics Tuebingen
Classification: Likely benign. Last evaluated: 2025-04-01. Review status: criteria provided, single submitter. Criteria: CeGaT Center For Human Genetics Tuebingen Variant Classification Criteria Version 2. Collection method: clinical testing. Allele origin: germline. Affected: yes. Observed: 2 variant alleles.
Comment: TCF3: BP4, BP7